The following is an entry in ClinVar:

NM_015631.6(TCTN3):c.256+2_256+7del

Genes: TCTN3 (tectonic family member 3; minus strand), LOC130004408 (ATAC-STARR-seq lymphoblastoid active region 3801; plus strand). Cytogenetic location: 10q24.1.
Variant type: Deletion.
Coding change: c.256+2_256+7del on transcript NM_015631.6 (MANE Select); the canonical splice donor site of the intron after coding-DNA position 256 through 7 bases into the intron after coding-DNA position 256, 6 bases deleted (TGAGGG; older notation c.256+2_256+7delTGAGGG).
Molecular consequence: splice donor variant.
Genome position (GRCh38, 1-based): chr10:95,693,637-95,693,642, CCCTCA deleted on the plus strand (TGAGGG on the coding strand, the reverse complement: TCTN3 is on the minus strand); deleting any 6 consecutive bases within chr10:95,693,637-95,693,644 gives the same sequence; the c. name uses the placement nearest the transcript's 3' end. VCF-style (leftmost placement, unchanged base first): chr10-95693636-TCCCTCA-T. GRCh37 (hg19) VCF-style: chr10-97453393-TCCCTCA-T.
Other names: c.256+2_256+7del (NM_001143973.2); c.256+2_256+7delTGAGGG (NM_015631.6).
Identifiers: ClinVar variation 1068015 (VCV001068015.13), dbSNP rs1224169161, ClinGen allele CA595639447.
Genomic context (GRCh38, chr10:95,693,636, plus strand): 5'-GCTCAACTTTGCTCACAGAATTTTAGATCTCAGAAGTAAGTTTCCACCCCCACAACGTTT[TCCCTCA>T]CCTGGGAAGAGGTCCACAGTCCTATTCCCAGGGGCCGAGGGAGTCACGAGAGTAGGGACC-3'

ClinVar aggregate classification (germline): Likely pathogenic. Review status: criteria provided, multiple submitters, no conflicts (2 of 4 stars). 5 submissions from 5 submitters: Likely pathogenic (5). Last evaluated 2026-01-23.

Conditions:
Joubert syndrome 18 (JBTS18). Identifiers: Orphanet 2754, MedGen C3553758, MONDO:0013896, OMIM 614815.
Orofacial-digital syndrome IV (OFD4). Also called: OFD SYNDROME WITH TIBIAL DEFECTS; OFD SYNDROME, BARAITSER-BURN TYPE; OFDS IV; ORAL-FACIAL-DIGITAL SYNDROME, TYPE IV; MOHR-MAJEWSKI SYNDROME; BARAITSER-BURN SYNDROME. Identifiers: Orphanet 2753, MedGen C0406727, MONDO:0009794, OMIM 258860.
Joubert syndrome and related disorders. Identifiers: Orphanet 140874, MedGen C5679612, MONDO:0015369.
TCTN3-related disorder. Also called: TCTN3-related condition.

Submissions (5):

Labcorp Genetics (formerly Invitae), Labcorp
Classification: Likely pathogenic for Joubert syndrome 18; Orofacial-digital syndrome IV. Last evaluated: 2026-01-23. Review status: criteria provided, single submitter. Criteria: Invitae Variant Classification Sherloc (09022015). Collection method: clinical testing. Allele origin: germline.
Comment: This sequence change affects a splice site in intron 1 of the TCTN3 gene. It is expected to disrupt RNA splicing. Variants that disrupt the donor or acceptor splice site typically lead to a loss of protein function (PMID: 16199547), and loss-of-function variants in TCTN3 are known to be pathogenic (PMID: 2692869, 22883145, 25118024). This variant is present in population databases (no rsID available, gnomAD 0.009%). This variant has not been reported in the literature in individuals affected with TCTN3-related conditions. ClinVar contains an entry for this variant (Variation ID: 1068015). Algorithms developed to predict the effect of sequence changes on RNA splicing suggest that this variant may disrupt the consensus splice site. In summary, the currently available evidence indicates that the variant is pathogenic, but additional data are needed to prove that conclusively. Therefore, this variant has been classified as Likely Pathogenic.

Women's Health and Genetics/Laboratory Corporation of America, LabCorp
Classification: Likely pathogenic for Joubert syndrome and related disorders. Last evaluated: 2025-05-23. Review status: criteria provided, single submitter. Criteria: LabCorp Variant Classification Summary - May 2015. Collection method: clinical testing. Allele origin: germline.
Comment: Variant summary: TCTN3 c.256+2_256+7delTGAGGG is located in a canonical splice-site and is predicted to affect mRNA splicing resulting in a significantly altered protein due to either exon skipping, shortening, or inclusion of intronic material. Variants that disrupt the consensus splice site are a relatively common cause of aberrant splicing and loss of TCTN3 function. Several computational tools predict a significant impact on normal splicing: Four predict the variant abolishes a canonical 5' splicing donor site. However, these predictions have yet to be confirmed by functional studies. The variant allele was found at a frequency of 2.6e-05 in 153572 control chromosomes (gnomAD). To our knowledge, no occurrence of c.256+2_256+7delTGAGGG in individuals affected with Joubert Syndrome And Related Disorders and no experimental evidence demonstrating its impact on protein function have been reported. ClinVar contains an entry for this variant (Variation ID: 1068015). Based on the evidence outlined above, the variant was classified as likely pathogenic.

Fulgent Genetics
Classification: Likely pathogenic for Orofacial-digital syndrome IV; Joubert syndrome 18. Last evaluated: 2024-03-05. Review status: criteria provided, single submitter. Criteria: ACMG Guidelines, 2015. Collection method: clinical testing. Allele origin: germline.

GeneDx
Classification: Likely pathogenic. Last evaluated: 2024-01-04. Review status: criteria provided, single submitter. Criteria: GeneDx Variant Classification Process June 2021. Collection method: clinical testing. Allele origin: germline. Affected: yes.
Comment: Canonical splice site variant predicted to result in a null allele in a gene for which loss of function is a known mechanism of disease; Not observed at significant frequency in large population cohorts (gnomAD); Has not been previously published as pathogenic or benign to our knowledge

Blueprint Genetics
Classification: Likely pathogenic for TCTN3-related disorders. Last evaluated: 2022-10-11. Review status: criteria provided, single submitter. Criteria: ACMG Guidelines, 2015. Collection method: clinical testing. Allele origin: germline. Affected: yes. Observed: 2 variant alleles.

Literature cited by the submitters: PubMed 16199547 (cited by Labcorp Genetics (formerly Invitae), Labcorp); PubMed 2692869 (cited by Labcorp Genetics (formerly Invitae), Labcorp); PubMed 22883145 (cited by Labcorp Genetics (formerly Invitae), Labcorp); PubMed 25118024 (cited by Labcorp Genetics (formerly Invitae), Labcorp).